The following is an entry in ClinVar:

ClinVar aggregate classification (germline): Likely benign (1 of 4 stars; one submission).

Allele frequency attached by ClinVar (database versions not stated): gnomAD 0.00004 and 0.00005; TOPMed 0.00005.

Submission:

GeneDx
Classification: Likely benign. Last evaluated: 2017-08-08. Review status: criteria provided, single submitter. Criteria: GeneDx Variant Classification (06012015). Collection method: clinical testing. Allele origin: germline. Affected: yes.
Comment: This variant is considered likely benign or benign based on one or more of the following criteria: it is a conservative change, it occurs at a poorly conserved position in the protein, it is predicted to be benign by multiple in silico algorithms, and/or has population frequency not consistent with disease.

NM_001195248.2(APTX):c.-5+4328C>T

Gene: APTX (aprataxin; minus strand). Cytogenetic location: 9p21.1.
Variant type: single nucleotide variant.
Coding change: c.-5+4328C>T on transcript NM_001195248.2 (MANE Select); 4328 bases into the intron after 5 bases upstream of the start codon, C replaced by T.
Molecular consequence: intron variant.
Genome position (GRCh38, 1-based): chr9:32,997,239, G>A on the plus strand (C>T on the coding strand, the complement: APTX is on the minus strand). VCF-style: chr9-32997239-G-A. GRCh37 (hg19) VCF-style: chr9-32997237-G-A.
Other names: c.-4-7344C>T (NM_001369001.1, NM_001368996.1, NM_001368995.1 and 3 more transcripts); c.-263-7344C>T (NM_001369002.1, NM_001369003.1); c.-5+4328C>T (NM_001195250.2, NM_001195252.2, NM_175069.3); c.-222+4328C>T (NM_001369004.1); c.-264+4328C>T (NM_001370669.1, NM_001369006.1); c.-264+4C>T (NM_001369005.1); c.-5+4C>T (NM_175073.3, NM_001195251.2); c.-5+4277C>T (NM_001195254.2, NM_001368998.1); and 3 more.
Identifiers: ClinVar variation 517042 (VCV000517042.1), dbSNP rs992445691, ClinGen allele CA192408918.